The following is an entry in ClinVar:

Single allele

Genes: CENPVL2 (centromere protein V like 2; minus strand), CENPVL3 (centromere protein V like 3; minus strand), MAGED1 (MAGE family member D1; plus strand), MAGED4 (MAGE family member D4; plus strand), MAGED4B (MAGE family member D4B; minus strand) and 29 more. Cytogenetic location: Xp11.23-11.22.
Variant type: Deletion.
Identifiers: ClinVar variation 4075824 (VCV004075824.1).

ClinVar aggregate classification (germline): Likely pathogenic (1 of 4 stars; one submission).

Conditions:
Dent disease type 1 (DENT1). Also called: NEPHROLITHIASIS 2; NEPHROLITHIASIS, HYPERCALCIURIC, X-LINKED. Identifiers: Orphanet 1652, Orphanet 93622, MedGen C1848336, MONDO:0010225, OMIM 300009.
Hypophosphatemic rickets, X-linked recessive (XLHRR). Identifiers: Orphanet 1652, Orphanet 93622, MedGen C1845168, MONDO:0010358, OMIM 300554.
X-linked recessive nephrolithiasis with renal failure (XRN). Also called: NEPHROLITHIASIS 1; NEPHROLITHIASIS, X-LINKED RECESSIVE, TYPE 1; UROLITHIASIS, X-LINKED RECESSIVE, TYPE 1. Identifiers: Orphanet 1652, Orphanet 93622, MedGen C0403720, MONDO:0010687, OMIM 310468.
Proteinuria, low molecular weight, with hypercalciuria and nephrocalcinosis. Identifiers: Orphanet 1652, Orphanet 93622, MedGen C1839874, MONDO:0010644, OMIM 308990.

Submission:

Kasturba Medical College, Manipal, Kasturba Medical College, Manipal, Manipal Academy of Higher Education, Manipal, India
Classification: Likely pathogenic for X-linked recessive nephrolithiasis with renal failure; Dent disease type 1; Hypophosphatemic rickets, X-linked recessive; Proteinuria, low molecular weight, with hypercalciuria and nephrocalcinosis. Review status: criteria provided, single submitter. Criteria: ACMG/ClinGen CNV Guidelines, 2019. Collection method: research. Allele origin: de novo. Inheritance: Autosomal recessive inheritance. Affected: yes.
Comment: This CNV encompasses 21 genes which include SHROOM4 and two morbid genes CLCN5 (partial), and BMP15. This CNV is not seen in population databases like gnomAD (v4.0) and Database of Genomic Variants (DGV).